The following is an entry in ClinVar:

ClinVar aggregate classification (germline): Likely benign. Review status: criteria provided, single submitter (1 of 4 stars). 2 submissions from 2 submitters: Likely benign (1). 1 of the submissions does not count toward it. Last evaluated 2023-04-20.

Conditions:
MFF-related disorder. Also called: MFF-related condition.

Allele frequency attached by ClinVar (database versions not stated): gnomAD exomes 0.00002 and 0.00004; gnomAD 0.00003 and 0.00005; ExAC 0.00005; TOPMed 0.00006.
gnomAD v4.1: 36 of 1,613,450 alleles (0.0022%); highest among the groups gnomAD compares: South Asian, 0.021%; 1 homozygote.

Submissions (2):

Labcorp Genetics (formerly Invitae), Labcorp
Classification: Likely benign. Last evaluated: 2023-04-20. Review status: criteria provided, single submitter. Criteria: Invitae Variant Classification Sherloc (09022015). Collection method: clinical testing. Allele origin: germline.

PreventionGenetics, part of Exact Sciences
Classification: Likely benign for MFF-related condition. Last evaluated: 2020-04-29. Review status: no assertion criteria provided. Collection method: clinical testing. Allele origin: germline. Not counted in ClinVar's aggregate classification.
Comment: This variant is classified as likely benign based on ACMG/AMP sequence variant interpretation guidelines (Richards et al. 2015 PMID: 25741868, with internal and published modifications).

NM_001277062.2(MFF):c.440+2419G>A

Gene: MFF (mitochondrial fission factor; plus strand). Cytogenetic location: 2q36.3.
Variant type: single nucleotide variant.
Coding change: c.440+2419G>A on transcript NM_001277062.2 (MANE Select); 2419 bases into the intron after coding-DNA position 440, G replaced by A.
Molecular consequence: intron variant. On other transcripts: synonymous variant (3).
Genome position (GRCh38, 1-based): chr2:227,342,799, G>A. VCF-style: chr2-227342799-G-A. GRCh37 (hg19) VCF-style: chr2-228207515-G-A.
Other names: c.573G>A, p.Pro191= (NM_001277061.2, NM_020194.5); c.495G>A, p.Pro165= (NM_001277063.2); c.440+2419G>A (NM_001277064.2, NM_001277065.2, NM_001277066.2 and 1 more transcripts); c.290+2419G>A (NM_001277067.1).
Identifiers: ClinVar variation 1591953 (VCV001591953.10), dbSNP rs758873739, ClinGen allele CA2147936.